The following is an entry in ClinVar:

ClinVar aggregate classification (germline): Uncertain significance (1 of 4 stars; one submission).

gnomAD v4.1: 8 of 1,556,458 alleles (0.00051%); highest among the groups gnomAD compares: East Asian, 0.0024%; no homozygotes.

Submission:

Labcorp Genetics (formerly Invitae), Labcorp
Classification: Uncertain significance. Last evaluated: 2022-03-01. Review status: criteria provided, single submitter. Criteria: Invitae Variant Classification Sherloc (09022015). Collection method: clinical testing. Allele origin: germline.
Comment: This sequence change replaces arginine, which is basic and polar, with glutamine, which is neutral and polar, at codon 102 of the DGAT1 protein (p.Arg102Gln). The frequency data for this variant in the population databases is considered unreliable, as metrics indicate poor data quality at this position in the gnomAD database. This variant has not been reported in the literature in individuals affected with DGAT1-related conditions. Algorithms developed to predict the effect of missense changes on protein structure and function are either unavailable or do not agree on the potential impact of this missense change (SIFT: "Deleterious"; PolyPhen-2: "Probably Damaging"; Align-GVGD: "Class C0"). In summary, the available evidence is currently insufficient to determine the role of this variant in disease. Therefore, it has been classified as a Variant of Uncertain Significance.

NM_012079.6(DGAT1):c.305G>A (p.Arg102Gln)

Gene: DGAT1 (diacylglycerol O-acyltransferase 1; minus strand). Cytogenetic location: 8q24.3.
Variant type: single nucleotide variant.
Coding change: c.305G>A on transcript NM_012079.6 (MANE Select); coding-DNA position 305, G replaced by A.
Protein change: p.Arg102Gln; replaces arginine 102 with glutamine.
Molecular consequence: missense variant.
Genome position (GRCh38, 1-based): chr8:144,319,052, C>T on the plus strand (G>A on the coding strand, the complement: DGAT1 is on the minus strand). VCF-style: chr8-144319052-C-T. GRCh37 (hg19) VCF-style: chr8-145542715-C-T.
Other names: short protein forms R102Q.
Identifiers: ClinVar variation 2167027 (VCV002167027.1), dbSNP rs782036173, ClinGen allele CA4937096.